The following is an entry in ClinVar:

NM_000057.4(BLM):c.4019C>T (p.Pro1340Leu)

Gene: BLM (BLM RecQ like helicase; plus strand). Cytogenetic location: 15q26.1.
Variant type: single nucleotide variant.
Coding change: c.4019C>T on transcript NM_000057.4 (MANE Select); coding-DNA position 4019, C replaced by T.
Protein change: p.Pro1340Leu; replaces proline 1340 with leucine.
Molecular consequence: missense variant.
Genome position (GRCh38, 1-based): chr15:90,811,349, C>T. VCF-style: chr15-90811349-C-T. GRCh37 (hg19) VCF-style: chr15-91354579-C-T.
Other names: c.4019C>T, p.Pro1340Leu (NM_001287246.2); c.3626C>T, p.Pro1209Leu (NM_001287247.2); c.2894C>T, p.Pro965Leu (NM_001287248.2); short protein forms P1340L, P1209L, P965L.
Identifiers: ClinVar variation 454147 (VCV000454147.18), dbSNP rs766959130, ClinGen allele CA7739174.

ClinVar aggregate classification (germline): Uncertain significance. Review status: criteria provided, multiple submitters, no conflicts (2 of 4 stars). 3 submissions from 3 submitters: Uncertain significance (2). 1 of the submissions does not count toward it. Last evaluated 2025-10-26.

Conditions:
Hereditary cancer-predisposing syndrome. Also called: Hereditary Cancer Syndrome; Hereditary neoplastic syndrome; Neoplastic Syndromes, Hereditary; Tumor predisposition. Identifiers: Orphanet 140162, MedGen C0027672, MeSH D009386, MONDO:0015356.
Bloom syndrome (BLM). Also called: Bloom-Torre-Machacek syndrome. Identifiers: Orphanet 125, MedGen C0005859, MONDO:0008876, OMIM 210900.

Allele frequency attached by ClinVar (database versions not stated): gnomAD 0.00001; gnomAD exomes 0.00001 and 0.00002; TOPMed 0.00001; ExAC 0.00002.
gnomAD v4.1: 6 of 1,614,046 alleles (0.00037%); highest among the groups gnomAD compares: East Asian, 0.011%; no homozygotes.

Submissions (3):

Labcorp Genetics (formerly Invitae), Labcorp
Classification: Uncertain significance for Bloom syndrome. Last evaluated: 2025-10-26. Review status: criteria provided, single submitter. Criteria: Invitae Variant Classification Sherloc (09022015). Collection method: clinical testing. Allele origin: germline.
Comment: This sequence change replaces proline, which is neutral and non-polar, with leucine, which is neutral and non-polar, at codon 1340 of the BLM protein (p.Pro1340Leu). This variant is present in population databases (rs766959130, gnomAD 0.02%). This variant has not been reported in the literature in individuals affected with BLM-related conditions. ClinVar contains an entry for this variant (Variation ID: 454147). Invitae Evidence Modeling of protein sequence and biophysical properties (such as structural, functional, and spatial information, amino acid conservation, physicochemical variation, residue mobility, and thermodynamic stability) indicates that this missense variant is not expected to disrupt BLM protein function with a negative predictive value of 80%. In summary, the available evidence is currently insufficient to determine the role of this variant in disease. Therefore, it has been classified as a Variant of Uncertain Significance.

Ambry Genetics
Classification: Uncertain significance for Hereditary cancer-predisposing syndrome. Last evaluated: 2025-08-04. Review status: criteria provided, single submitter. Criteria: Ambry Variant Classification Scheme 2023. Collection method: clinical testing. Allele origin: germline.
Comment: The p.P1340L variant (also known as c.4019C>T), located in coding exon 20 of the BLM gene, results from a C to T substitution at nucleotide position 4019. The proline at codon 1340 is replaced by leucine, an amino acid with similar properties. This amino acid position is not well conserved in available vertebrate species. In addition, this alteration is predicted to be tolerated by in silico analysis. Since supporting evidence is limited at this time, the clinical significance of this alteration remains unclear.

Natera, Inc.
Classification: Uncertain significance for Bloom syndrome. Last evaluated: 2018-12-17. Review status: no assertion criteria provided. Collection method: clinical testing. Allele origin: germline. Not counted in ClinVar's aggregate classification.